The following is an entry in ClinVar:

NM_022552.5(DNMT3A):c.1454A>C (p.Gln485Pro)

Gene: DNMT3A (DNA methyltransferase 3 alpha; minus strand). Cytogenetic location: 2p23.3.
Variant type: single nucleotide variant.
Coding change: c.1454A>C on transcript NM_022552.5 (MANE Select); coding-DNA position 1454, A replaced by C.
Protein change: p.Gln485Pro; replaces glutamine 485 with proline.
Molecular consequence: missense variant. On other transcripts: non-coding transcript variant (1).
Genome position (GRCh38, 1-based): chr2:25,246,040, T>G on the plus strand (A>C on the coding strand, the complement: DNMT3A is on the minus strand). VCF-style: chr2-25246040-T-G. GRCh37 (hg19) VCF-style: chr2-25468909-T-G.
Other names: c.998A>C, p.Gln333Pro (NM_001320893.1); c.785A>C, p.Gln262Pro (NM_001375819.1); c.887A>C, p.Gln296Pro (NM_153759.3); c.1454A>C, p.Gln485Pro (NM_175629.2); short protein forms Q296P, Q333P, Q485P, Q262P.
Identifiers: ClinVar variation 4617757 (VCV004617757.1).

ClinVar aggregate classification (germline): Uncertain significance (1 of 4 stars; one submission).

Conditions:
Inborn genetic diseases. Identifiers: MedGen C0950123, MeSH D030342.

Submission:

Ambry Genetics
Classification: Uncertain significance for Inborn genetic diseases. Last evaluated: 2025-10-14. Review status: criteria provided, single submitter. Criteria: Ambry Variant Classification Scheme 2023. Collection method: clinical testing. Allele origin: germline.
Comment: The p.Q485P variant (also known as c.1454A>C), located in coding exon 11 of the DNMT3A gene, results from an A to C substitution at nucleotide position 1454. The glutamine at codon 485 is replaced by proline, an amino acid with similar properties. This amino acid position is conserved. In addition, the in silico prediction for this alteration is inconclusive. Based on the available evidence, the clinical significance of this variant remains unclear.